The following is an entry in ClinVar:

ClinVar aggregate classification (germline): Uncertain significance. Review status: criteria provided, multiple submitters, no conflicts (2 of 4 stars). 2 submissions from 2 submitters: Uncertain significance (2). Last evaluated 2026-03-18.

Conditions:
Luscan-Lumish syndrome. Identifiers: Orphanet 597738, MedGen C4085873, MONDO:0014791, OMIM 616831.

Allele frequency attached by ClinVar (database versions not stated): ExAC 0.00001; gnomAD exomes 0.00001 and 0.00002; TOPMed 0.00001; gnomAD 0.00002.
gnomAD v4.1: 14 of 1,612,328 alleles (0.00087%); highest among the groups gnomAD compares: East Asian, 0.011%; no homozygotes.

Submissions (2):

Women's Health and Genetics/Laboratory Corporation of America, LabCorp
Classification: Uncertain significance. Last evaluated: 2026-03-18. Review status: criteria provided, single submitter. Criteria: LabCorp Variant Classification Summary - May 2015. Collection method: clinical testing. Allele origin: germline.
Comment: Variant summary: SETD2 c.3193C>T (p.Arg1065Cys) results in a non-conservative amino acid change in the encoded protein sequence. Algorithms developed to predict the effect of missense changes on protein structure and function all suggest that this variant is likely to be disruptive. The variant allele was found at a frequency of 1.6e-05 in 250052 control chromosomes. The available data on variant occurrences in the general population are insufficient to allow any conclusion about variant significance. To our knowledge, no occurrence of c.3193C>T in individuals affected with SETD2-related conditions and no experimental evidence demonstrating its impact on protein function have been reported. ClinVar contains an entry for this variant (Variation ID: 578109). Based on the evidence outlined above, the variant was classified as uncertain significance.

Labcorp Genetics (formerly Invitae), Labcorp
Classification: Uncertain significance for Luscan-lumish syndrome. Last evaluated: 2018-01-12. Review status: criteria provided, single submitter. Criteria: Invitae Variant Classification Sherloc (09022015). Collection method: clinical testing. Allele origin: germline.
Comment: This sequence change replaces arginine with cysteine at codon 1065 of the SETD2 protein (p.Arg1065Cys). The arginine residue is highly conserved and there is a large physicochemical difference between arginine and cysteine. This variant is present in population databases (rs765867260, ExAC 0.01%). This variant has not been reported in the literature in individuals with SETD2-related disease. Algorithms developed to predict the effect of missense changes on protein structure and function do not agree on the potential impact of this missense change (SIFT: "Deleterious"; PolyPhen-2: "Probably Damaging"; Align-GVGD: "Class C0"). In summary, the available evidence is currently insufficient to determine the role of this variant in disease. Therefore, it has been classified as a Variant of Uncertain Significance.

NM_014159.7(SETD2):c.3193C>T (p.Arg1065Cys)

Gene: SETD2 (SET domain containing 2, histone lysine methyltransferase; minus strand). Cytogenetic location: 3p21.31.
Variant type: single nucleotide variant.
Coding change: c.3193C>T on transcript NM_014159.7 (MANE Select); coding-DNA position 3193, C replaced by T.
Protein change: p.Arg1065Cys; replaces arginine 1065 with cysteine.
Molecular consequence: missense variant. On other transcripts: non-coding transcript variant (1).
Genome position (GRCh38, 1-based): chr3:47,121,443, G>A on the plus strand (C>T on the coding strand, the complement: SETD2 is on the minus strand). VCF-style: chr3-47121443-G-A. GRCh37 (hg19) VCF-style: chr3-47162933-G-A.
Other names: c.3061C>T, p.Arg1021Cys (NM_001349370.3); short protein forms R1065C, R1021C.
Identifiers: ClinVar variation 578109 (VCV000578109.2), dbSNP rs765867260, ClinGen allele CA2363426.